The following is an entry in ClinVar:

NM_006017.3(PROM1):c.731G>C (p.Arg244Pro)

Gene: PROM1 (prominin 1; minus strand). Cytogenetic location: 4p15.32.
Variant type: single nucleotide variant.
Coding change: c.731G>C on transcript NM_006017.3 (MANE Select); coding-DNA position 731, G replaced by C.
Protein change: p.Arg244Pro; replaces arginine 244 with proline.
Molecular consequence: missense variant.
Genome position (GRCh38, 1-based): chr4:16,023,379, C>G on the plus strand (G>C on the coding strand, the complement: PROM1 is on the minus strand). VCF-style: chr4-16023379-C-G. GRCh37 (hg19) VCF-style: chr4-16025002-C-G.
Other names: c.704G>C, p.Arg235Pro (NM_001145847.2, NM_001145848.2, NM_001145851.2 and 4 more transcripts); c.731G>C, p.Arg244Pro (NM_001145849.2, NM_001145850.2); short protein forms R244P, R235P.
Identifiers: ClinVar variation 1921195 (VCV001921195.5), dbSNP rs369815021, ClinGen allele CA92566894.

ClinVar aggregate classification (germline): Uncertain significance (1 of 4 stars; one submission).

Allele frequency attached by ClinVar (database versions not stated): 1000 Genomes Project 0.00020; 1000 Genomes Project 30x 0.00031.
gnomAD v4.1: 2 of 1,607,338 alleles (0.00012%); highest among the groups gnomAD compares: Admixed American, 0.0034%; no homozygotes.

Submission:

Labcorp Genetics (formerly Invitae), Labcorp
Classification: Uncertain significance. Last evaluated: 2022-03-15. Review status: criteria provided, single submitter. Criteria: Invitae Variant Classification Sherloc (09022015). Collection method: clinical testing. Allele origin: germline.
Comment: This sequence change replaces arginine, which is basic and polar, with proline, which is neutral and non-polar, at codon 244 of the PROM1 protein (p.Arg244Pro). The frequency data for this variant in the population databases is considered unreliable, as metrics indicate poor data quality at this position in the gnomAD database. This variant has not been reported in the literature in individuals affected with PROM1-related conditions. Algorithms developed to predict the effect of missense changes on protein structure and function are either unavailable or do not agree on the potential impact of this missense change (SIFT: "Tolerated"; PolyPhen-2: "Probably Damaging"; Align-GVGD: "Class C0"). In summary, the available evidence is currently insufficient to determine the role of this variant in disease. Therefore, it has been classified as a Variant of Uncertain Significance.